The following is an entry in ClinVar:

NM_015346.4(ZFYVE26):c.3055G>A (p.Gly1019Ser)

Gene: ZFYVE26 (zinc finger FYVE-type containing 26; minus strand). Cytogenetic location: 14q24.1.
Variant type: single nucleotide variant.
Coding change: c.3055G>A on transcript NM_015346.4 (MANE Select); coding-DNA position 3055, G replaced by A.
Protein change: p.Gly1019Ser; replaces glycine 1019 with serine.
Molecular consequence: missense variant.
Genome position (GRCh38, 1-based): chr14:67,786,198, C>T on the plus strand (G>A on the coding strand, the complement: ZFYVE26 is on the minus strand). VCF-style: chr14-67786198-C-T. GRCh37 (hg19) VCF-style: chr14-68252915-C-T.
Other names: short protein forms G1019S.
Identifiers: ClinVar variation 2172647 (VCV002172647.2), dbSNP rs770859375, ClinGen allele CA7240083.

ClinVar aggregate classification (germline): Uncertain significance. Review status: criteria provided, multiple submitters, no conflicts (2 of 4 stars). 2 submissions from 2 submitters: Uncertain significance (2). Last evaluated 2022-07-14.

Conditions:
Spastic paraplegia. Identifiers: MedGen C0037772, HP:0001258.

Allele frequency attached by ClinVar (database versions not stated): gnomAD exomes 0.00001; ExAC 0.00002.
gnomAD v4.1: 14 of 1,575,462 alleles (0.00089%); highest among the groups gnomAD compares: South Asian, 0.015%; 1 homozygote.

Submissions (2):

Blueprint Genetics
Classification: Uncertain significance. Last evaluated: 2022-07-14. Review status: criteria provided, single submitter. Criteria: ACMG Guidelines, 2015. Collection method: clinical testing. Allele origin: germline.

Labcorp Genetics (formerly Invitae), Labcorp
Classification: Uncertain significance for Spastic paraplegia. Last evaluated: 2022-04-06. Review status: criteria provided, single submitter. Criteria: Invitae Variant Classification Sherloc (09022015). Collection method: clinical testing. Allele origin: germline.
Comment: This sequence change replaces glycine, which is neutral and non-polar, with serine, which is neutral and polar, at codon 1019 of the ZFYVE26 protein (p.Gly1019Ser). This variant is present in population databases (rs770859375, gnomAD 0.01%). This variant has not been reported in the literature in individuals affected with ZFYVE26-related conditions. Algorithms developed to predict the effect of missense changes on protein structure and function (SIFT, PolyPhen-2, Align-GVGD) all suggest that this variant is likely to be tolerated. Algorithms developed to predict the effect of sequence changes on RNA splicing suggest that this variant may create or strengthen a splice site. In summary, the available evidence is currently insufficient to determine the role of this variant in disease. Therefore, it has been classified as a Variant of Uncertain Significance.